The following is an entry in ClinVar:

NM_025114.4(CEP290):c.4187A>G (p.Gln1396Arg)

Gene: CEP290 (centrosomal protein 290; minus strand). Cytogenetic location: 12q21.32.
Variant type: single nucleotide variant.
Coding change: c.4187A>G on transcript NM_025114.4 (MANE Select); coding-DNA position 4187, A replaced by G.
Protein change: p.Gln1396Arg; replaces glutamine 1396 with arginine.
Molecular consequence: missense variant.
Genome position (GRCh38, 1-based): chr12:88,087,787, T>C on the plus strand (A>G on the coding strand, the complement: CEP290 is on the minus strand). VCF-style: chr12-88087787-T-C. GRCh37 (hg19) VCF-style: chr12-88481564-T-C.
Other names: short protein forms Q1396R.
Identifiers: ClinVar variation 2119836 (VCV002119836.1), dbSNP rs2500055145, ClinGen allele CA385998845.

ClinVar aggregate classification (germline): Uncertain significance (1 of 4 stars; one submission).

Conditions:
Joubert syndrome. Also called: CEREBELLOPARENCHYMAL DISORDER IV; JOUBERT-BOLTSHAUSER SYNDROME; Familial aplasia of the vermis. Identifiers: Orphanet 475, MedGen C5979921, MONDO:0018772.
Nephronophthisis. Also called: Juvenile Nephronophthisis. Identifiers: Orphanet 655, MedGen C0687120, MONDO:0019005, HP:0000090.
Meckel-Gruber syndrome. Also called: DYSENCEPHALIA SPLANCHNOCYSTICA; GRUBER SYNDROME; Dysencephalia splachnocystica. Identifiers: Orphanet 564, MedGen C0265215, MONDO:0018921.

Submission:

Labcorp Genetics (formerly Invitae), Labcorp
Classification: Uncertain significance for Joubert syndrome; Meckel-Gruber syndrome; Nephronophthisis. Last evaluated: 2022-04-11. Review status: criteria provided, single submitter. Criteria: Invitae Variant Classification Sherloc (09022015). Collection method: clinical testing. Allele origin: germline.
Comment: This sequence change replaces glutamine, which is neutral and polar, with arginine, which is basic and polar, at codon 1396 of the CEP290 protein (p.Gln1396Arg). This variant is not present in population databases (gnomAD no frequency). This variant has not been reported in the literature in individuals affected with CEP290-related conditions. Algorithms developed to predict the effect of missense changes on protein structure and function (SIFT, PolyPhen-2, Align-GVGD) all suggest that this variant is likely to be disruptive. In summary, the available evidence is currently insufficient to determine the role of this variant in disease. Therefore, it has been classified as a Variant of Uncertain Significance.